The following is an entry in ClinVar:

NM_000051.4(ATM):c.3795T>G (p.Phe1265Leu)

Gene: ATM (ATM serine/threonine kinase; plus strand). Cytogenetic location: 11q22.3.
Variant type: single nucleotide variant.
Coding change: c.3795T>G on transcript NM_000051.4 (MANE Select); coding-DNA position 3795, T replaced by G.
Protein change: p.Phe1265Leu; replaces phenylalanine 1265 with leucine.
Molecular consequence: missense variant.
Genome position (GRCh38, 1-based): chr11:108,284,275, T>G. VCF-style: chr11-108284275-T-G. GRCh37 (hg19) VCF-style: chr11-108155002-T-G.
Other names: c.3795T>G, p.Phe1265Leu (NM_001351834.2); short protein forms F1265L.
Identifiers: ClinVar variation 2699837 (VCV002699837.4), dbSNP rs755536924, ClinGen allele CA6265355.

ClinVar aggregate classification (germline): Uncertain significance. Review status: criteria provided, multiple submitters, no conflicts (2 of 4 stars). 2 submissions from 2 submitters: Uncertain significance (2). Last evaluated 2025-12-11.

Conditions:
Hereditary cancer-predisposing syndrome. Also called: Hereditary Cancer Syndrome; Hereditary neoplastic syndrome; Neoplastic Syndromes, Hereditary; Tumor predisposition. Identifiers: Orphanet 140162, MedGen C0027672, MeSH D009386, MONDO:0015356.
Ataxia-telangiectasia syndrome (AT). Also called: Cerebello-oculocutaneous telangiectasia; Immunodeficiency with ataxia telangiectasia; Ataxia-telangiectasia, complementation group E; LOUIS-BAR SYNDROME; Ataxia telangiectasia (A-T); AT, COMPLEMENTATION GROUP C. Identifiers: Orphanet 100, MedGen C0004135, MONDO:0008840, OMIM 208900.

Allele frequency attached by ClinVar (database versions not stated): gnomAD exomes below 0.00001; ExAC 0.00001; gnomAD 0.00001.
gnomAD v4.1: 2 of 1,613,282 alleles (0.00012%); highest among the groups gnomAD compares: South Asian, 0.0022%; no homozygotes.

Submissions (2):

Ambry Genetics
Classification: Uncertain significance for Hereditary cancer-predisposing syndrome. Last evaluated: 2025-12-11. Review status: criteria provided, single submitter. Criteria: Ambry Variant Classification Scheme 2023. Collection method: clinical testing. Allele origin: germline.
Comment: The p.F1265L variant (also known as c.3795T>G), located in coding exon 25 of the ATM gene, results from a T to G substitution at nucleotide position 3795. The phenylalanine at codon 1265 is replaced by leucine, an amino acid with highly similar properties. In an assay testing ATM function, this variant showed a functionally normal result (Lee KS et al. Cell, 2025 Sep;188:5081-5099.e27). This amino acid position is highly conserved in available vertebrate species. In addition, the in silico prediction for this alteration is inconclusive. Based on the available evidence, the clinical significance of this variant remains unclear.

Labcorp Genetics (formerly Invitae), Labcorp
Classification: Uncertain significance for Ataxia-telangiectasia syndrome. Last evaluated: 2024-04-22. Review status: criteria provided, single submitter. Criteria: Invitae Variant Classification Sherloc (09022015). Collection method: clinical testing. Allele origin: germline.
Comment: This sequence change replaces phenylalanine, which is neutral and non-polar, with leucine, which is neutral and non-polar, at codon 1265 of the ATM protein (p.Phe1265Leu). This variant is not present in population databases (gnomAD no frequency). This variant has not been reported in the literature in individuals affected with ATM-related conditions. An algorithm developed to predict the effect of missense changes on protein structure and function (PolyPhen-2) suggests that this variant is likely to be tolerated. In summary, the available evidence is currently insufficient to determine the role of this variant in disease. Therefore, it has been classified as a Variant of Uncertain Significance.

Literature cited by the submitters: PubMed 40580951 (cited by Ambry Genetics).